The following is an entry in ClinVar:

NM_014915.3(ANKRD26):c.1236A>C (p.Gln412His)

Gene: ANKRD26 (ankyrin repeat domain 26; minus strand). Cytogenetic location: 10p12.1.
Variant type: single nucleotide variant.
Coding change: c.1236A>C on transcript NM_014915.3 (MANE Select); coding-DNA position 1236, A replaced by C.
Protein change: p.Gln412His; replaces glutamine 412 with histidine.
Molecular consequence: missense variant.
Genome position (GRCh38, 1-based): chr10:27,066,520, T>G on the plus strand (A>C on the coding strand, the complement: ANKRD26 is on the minus strand). VCF-style: chr10-27066520-T-G. GRCh37 (hg19) VCF-style: chr10-27355449-T-G.
Other names: c.1236A>C, p.Gln412His (NM_001256053.2); short protein forms Q412H.
Identifiers: ClinVar variation 3871081 (VCV003871081.2).

ClinVar aggregate classification (germline): Uncertain significance. Review status: criteria provided, multiple submitters, no conflicts (2 of 4 stars). 2 submissions from 2 submitters: Uncertain significance (2). Last evaluated 2025-10-06.

Conditions:
Inborn genetic diseases. Identifiers: MedGen C0950123, MeSH D030342.

gnomAD v4.1: 1 of 1,601,346 alleles (0.000062%); highest among the groups gnomAD compares: Non-Finnish European, 0.000085%; no homozygotes.

Submissions (2):

Labcorp Genetics (formerly Invitae), Labcorp
Classification: Uncertain significance. Last evaluated: 2025-10-06. Review status: criteria provided, single submitter. Criteria: Invitae Variant Classification Sherloc (09022015). Collection method: clinical testing. Allele origin: germline.
Comment: This sequence change replaces glutamine, which is neutral and polar, with histidine, which is basic and polar, at codon 412 of the ANKRD26 protein (p.Gln412His). This variant is not present in population databases (gnomAD no frequency). This variant has not been reported in the literature in individuals affected with ANKRD26-related conditions. ClinVar contains an entry for this variant (Variation ID: 3871081). An algorithm developed to predict the effect of missense changes on protein structure and function (PolyPhen-2) suggests that this variant is likely to be tolerated. In summary, the available evidence is currently insufficient to determine the role of this variant in disease. Therefore, it has been classified as a Variant of Uncertain Significance.

Ambry Genetics
Classification: Uncertain significance for Inborn genetic diseases. Last evaluated: 2025-02-08. Review status: criteria provided, single submitter. Criteria: Ambry Variant Classification Scheme 2023. Collection method: clinical testing. Allele origin: germline.
Comment: The p.Q412H variant (also known as c.1236A>C), located in coding exon 11 of the ANKRD26 gene, results from an A to C substitution at nucleotide position 1236. The glutamine at codon 412 is replaced by histidine, an amino acid with highly similar properties. This amino acid position is conserved. In addition, this alteration is predicted to be tolerated by in silico analysis. Based on the available evidence, the clinical significance of this variant remains unclear.